The following is an entry in ClinVar:

ClinVar aggregate classification (germline): Uncertain significance. Review status: criteria provided, multiple submitters, no conflicts (2 of 4 stars). 2 submissions from 2 submitters: Uncertain significance (2). Last evaluated 2025-07-01.

Conditions:
Dihydropteridine reductase deficiency (HPABH4C). Also called: BH4-Deficient Hyperphenylalaninemia C; HYPERPHENYLALANINEMIA, TETRAHYDROBIOPTERIN-DEFICIENT, DUE TO DHPR DEFICIENCY; DHPR DEFICIENCY; QDPR DEFICIENCY; QUINOID DIHYDROPTERIDINE REDUCTASE DEFICIENCY; Phenylketonuria II. Identifiers: Orphanet 226, Orphanet 238583, MedGen C0268465, MONDO:0009862, OMIM 261630.
Inborn genetic diseases. Identifiers: MedGen C0950123, MeSH D030342.

Allele frequency attached by ClinVar (database versions not stated): ExAC 0.00007; ESP Exome Variant Server 0.00008; TOPMed 0.00009; gnomAD exomes 0.00012 and 0.00021; gnomAD 0.00014.
gnomAD v4.1: 330 of 1,613,908 alleles (0.02%); highest among the groups gnomAD compares: Non-Finnish European, 0.027%; no homozygotes.

Submissions (3):

Ambry Genetics
Classification: Uncertain significance for Inborn genetic diseases. Last evaluated: 2025-07-01. Review status: criteria provided, single submitter. Criteria: Ambry Variant Classification Scheme 2023. Collection method: clinical testing. Allele origin: germline.

Labcorp Genetics (formerly Invitae), Labcorp
Classification: Uncertain significance for Dihydropteridine reductase deficiency. Last evaluated: 2022-09-01. Review status: criteria provided, single submitter. Criteria: Invitae Variant Classification Sherloc (09022015). Collection method: clinical testing. Allele origin: germline.
Comment: This sequence change replaces aspartic acid, which is acidic and polar, with glycine, which is neutral and non-polar, at codon 142 of the QDPR protein (p.Asp142Gly). This variant is present in population databases (rs138542030, gnomAD 0.03%). This variant has not been reported in the literature in individuals affected with QDPR-related conditions. ClinVar contains an entry for this variant (Variation ID: 1386879). Algorithms developed to predict the effect of missense changes on protein structure and function (SIFT, PolyPhen-2, Align-GVGD) all suggest that this variant is likely to be tolerated. Algorithms developed to predict the effect of sequence changes on RNA splicing suggest that this variant may create or strengthen a splice site. In summary, the available evidence is currently insufficient to determine the role of this variant in disease. Therefore, it has been classified as a Variant of Uncertain Significance.

Dr. Peter K. Rogan Lab, Western University
No classification provided (evidence only). Condition: Gastric cancer. Review status: no classification provided. Collection method: in vitro. Allele origin: not applicable. Functional consequence: retained intron. Not counted in ClinVar's aggregate classification.

NM_000320.3(QDPR):c.425A>G (p.Asp142Gly)

Gene: QDPR (quinoid dihydropteridine reductase; minus strand). Cytogenetic location: 4p15.32.
Variant type: single nucleotide variant.
Coding change: c.425A>G on transcript NM_000320.3 (MANE Select); coding-DNA position 425, A replaced by G.
Protein change: p.Asp142Gly; replaces aspartic acid 142 with glycine.
Molecular consequence: missense variant. On other transcripts: non-coding transcript variant (1).
Genome position (GRCh38, 1-based): chr4:17,501,730, T>C on the plus strand (A>G on the coding strand, the complement: QDPR is on the minus strand). VCF-style: chr4-17501730-T-C. GRCh37 (hg19) VCF-style: chr4-17503353-T-C.
Other names: c.332A>G, p.Asp111Gly (NM_001306140.2); c.425A>G (NM_000320.2); short protein forms D111G, D142G.
Identifiers: ClinVar variation 1386879 (VCV001386879.6), dbSNP rs138542030, ClinGen allele CA2868123.